The following is an entry in ClinVar:

ClinVar aggregate classification (germline): Benign/Likely benign. Review status: criteria provided, multiple submitters, no conflicts (2 of 4 stars). 9 submissions from 8 submitters: Benign (8); Likely benign (1). Last evaluated 2026-02-03.

Conditions:
46,XY sex reversal 9 (SRXY9). Also called: 46,XY SEX REVERSAL, ZFPM2-RELATED. Identifiers: Orphanet 251510, MedGen C4015129, MONDO:0014480, OMIM 616067.
Tetralogy of Fallot (TOF). Identifiers: Orphanet 3303, MedGen C0039685, MONDO:0008542, OMIM 187500, HP:0001636.

Allele frequency attached by ClinVar (database versions not stated): gnomAD 0.67998 and 0.68152; ESP Exome Variant Server 0.68269; TOPMed 0.68355; 1000 Genomes Project 0.72025; 1000 Genomes Project 30x 0.72720.
gnomAD v4.1: 970,180 of 1,606,566 alleles (60%); highest among the groups gnomAD compares: African/African-American, 92%; 298,307 homozygotes.

Submissions (9):

Labcorp Genetics (formerly Invitae), Labcorp
Classification: Benign for 46,XY sex reversal 9. Last evaluated: 2026-02-03. Review status: criteria provided, single submitter. Criteria: Invitae Variant Classification Sherloc (09022015). Collection method: clinical testing. Allele origin: germline.

Blueprint Genetics
Classification: Likely benign. Last evaluated: 2024-11-27. Review status: criteria provided, single submitter. Criteria: ACMG Guidelines, 2015. Collection method: clinical testing. Allele origin: germline.

Women's Health and Genetics/Laboratory Corporation of America, LabCorp
Classification: Benign. Last evaluated: 2023-04-04. Review status: criteria provided, single submitter. Criteria: LabCorp Variant Classification Summary - May 2015. Collection method: clinical testing. Allele origin: germline.

Genome-Nilou Lab
Classification: Benign for 46,XY sex reversal 9. Last evaluated: 2021-12-05. Review status: criteria provided, single submitter. Criteria: ACMG Guidelines, 2015. Collection method: clinical testing. Allele origin: germline. Affected: no.

Genome-Nilou Lab
Classification: Benign for Tetralogy of Fallot. Last evaluated: 2021-12-05. Review status: criteria provided, single submitter. Criteria: ACMG Guidelines, 2015. Collection method: clinical testing. Allele origin: germline. Affected: no.

GeneDx
Classification: Benign. Last evaluated: 2018-11-13. Review status: criteria provided, single submitter. Criteria: GeneDx Variant Classification Process June 2021. Collection method: clinical testing. Allele origin: germline. Affected: yes.

Laboratory for Molecular Medicine, Mass General Brigham Personalized Medicine
Classification: Benign. Last evaluated: 2016-03-29. Review status: criteria provided, single submitter. Criteria: LMM Criteria. Collection method: clinical testing. Allele origin: germline.
Comment: Variant identified in a genome or exome case(s) and assessed due to predicted null impact of the variant or pathogenic assertions in the literature or databases. Disclaimer: This variant has not undergone full assessment. The following are preliminary notes: Frequency

Breakthrough Genomics
Classification: Benign. Review status: criteria provided, single submitter. Criteria: ACMG Guidelines, 2015. Collection method: not provided. Allele origin: germline. Inheritance: Autosomal dominant inheritance. Affected: yes.

PreventionGenetics, part of Exact Sciences
Classification: Benign. Review status: criteria provided, single submitter. Criteria: ACMG Guidelines, 2015. Collection method: clinical testing. Allele origin: germline.

NM_012082.4(ZFPM2):c.302-13C>T

Gene: ZFPM2 (zinc finger protein, FOG family member 2; plus strand). Cytogenetic location: 8q23.1.
Variant type: single nucleotide variant.
Coding change: c.302-13C>T on transcript NM_012082.4 (MANE Select); 13 bases into the intron before coding-DNA position 302, C replaced by T.
Molecular consequence: intron variant.
Genome position (GRCh38, 1-based): chr8:105,561,350, C>T. VCF-style: chr8-105561350-C-T. GRCh37 (hg19) VCF-style: chr8-106573578-C-T.
Other names: c.143-13C>T (NM_001362836.2); c.-95-13C>T (NM_001362837.2).
Identifiers: ClinVar variation 260177 (VCV000260177.18), dbSNP rs3735953, ClinGen allele CA4839463.
Genomic context (GRCh38, chr8:105,561,350, plus strand): 5'-AACACACAAAAAGAGGTGGCTGCTGATAAAGTACAAGTAAGTATTCTAAACACTTCTGTT[C>T]CTTTGTCTGCAGGAGAGCTGGAGGTGTTTCAGAAAGATGGGGAACGAAAAATTCAGAGTC-3'